The following is an entry in ClinVar:

NM_001035.3(RYR2):c.9767A>G (p.Asn3256Ser)

Gene: RYR2 (ryanodine receptor 2; plus strand). Cytogenetic location: 1q43.
Variant type: single nucleotide variant.
Coding change: c.9767A>G on transcript NM_001035.3 (MANE Select); coding-DNA position 9767, A replaced by G.
Protein change: p.Asn3256Ser; replaces asparagine 3256 with serine.
Molecular consequence: missense variant.
Genome position (GRCh38, 1-based): chr1:237,707,135, A>G. VCF-style: chr1-237707135-A-G. GRCh37 (hg19) VCF-style: chr1-237870435-A-G.
Other names: short protein forms N3256S.
Identifiers: ClinVar variation 3385822 (VCV003385822.1).

ClinVar aggregate classification (germline): Uncertain significance (1 of 4 stars; one submission).

Conditions:
Catecholaminergic polymorphic ventricular tachycardia (CVPT). Also called: Catecholamine-induced polymorphic ventricular tachycardia. Identifiers: Orphanet 3286, MedGen C5574922, MONDO:0017990.

Submission:

All of Us Research Program, National Institutes of Health
Classification: Uncertain significance for Catecholaminergic polymorphic ventricular tachycardia. Last evaluated: 2024-07-10. Review status: criteria provided, single submitter. Criteria: ACMG Guidelines, 2015. Collection method: clinical testing. Allele origin: germline. Inheritance: Autosomal dominant inheritance. Observed: 1 variant allele, 1 heterozygote.
Comment: This missense variant replaces asparagine with serine at codon 3256 of the RYR2 protein. Computational prediction suggests that this variant may not impact protein structure and function (internally defined REVEL score threshold <= 0.5, PMID: 27666373). To our knowledge, functional studies have not been reported for this variant. This variant has not been reported in individuals affected with RYR2-related disorders in the literature. This variant has not been identified in the general population by the Genome Aggregation Database (gnomAD). The available evidence is insufficient to determine the role of this variant in disease conclusively. Therefore, this variant is classified as a Variant of Uncertain Significance.

This study involves interpretation of variants in research participants for the purpose of population health screening. Participant phenotype was not available at the time of variant classification. Additional details can be found in publication PMID: 35346344, PMCID: PMC8962531